The following is an entry in ClinVar:

ClinVar aggregate classification (germline): Uncertain significance (1 of 4 stars; one submission).

Conditions:
Leber congenital amaurosis 3 (LCA3). Also called: SPATA7-Related Retinitis Pigmentosa. Identifiers: MedGen C1858677, MONDO:0011415, OMIM 604232.

gnomAD v4.1: 1 of 1,610,994 alleles (0.000062%); highest among the groups gnomAD compares: Non-Finnish European, 0.000085%; no homozygotes.

Submission:

Labcorp Genetics (formerly Invitae), Labcorp
Classification: Uncertain significance for Leber congenital amaurosis 3. Last evaluated: 2021-06-11. Review status: criteria provided, single submitter. Criteria: Invitae Variant Classification Sherloc (09022015). Collection method: clinical testing. Allele origin: germline.
Comment: This sequence change replaces lysine with glutamic acid at codon 104 of the SPATA7 protein (p.Lys104Glu). The lysine residue is highly conserved and there is a small physicochemical difference between lysine and glutamic acid. This variant is present in population databases (rs200034171, ExAC 0.02%). This variant has not been reported in the literature in individuals with SPATA7-related conditions. Algorithms developed to predict the effect of missense changes on protein structure and function are either unavailable or do not agree on the potential impact of this missense change (SIFT: "Deleterious"; PolyPhen-2: "Probably Damaging"; Align-GVGD: "Class C0"). In summary, the available evidence is currently insufficient to determine the role of this variant in disease. Therefore, it has been classified as a Variant of Uncertain Significance.

NM_018418.5(SPATA7):c.310A>G (p.Lys104Glu)

Gene: SPATA7 (spermatogenesis associated 7; plus strand). Cytogenetic location: 14q31.3.
Variant type: single nucleotide variant.
Coding change: c.310A>G on transcript NM_018418.5 (MANE Select); coding-DNA position 310, A replaced by G.
Protein change: p.Lys104Glu; replaces lysine 104 with glutamic acid.
Molecular consequence: missense variant.
Genome position (GRCh38, 1-based): chr14:88,416,782, A>G. VCF-style: chr14-88416782-A-G. GRCh37 (hg19) VCF-style: chr14-88883126-A-G.
Other names: c.214A>G, p.Lys72Glu (NM_001040428.4); short protein forms K72E, K104E.
Identifiers: ClinVar variation 1390757 (VCV001390757.8), dbSNP rs200034171, ClinGen allele CA7298489.